The following is an entry in ClinVar:

ClinVar aggregate classification (germline): Conflicting classifications of pathogenicity. Review status: criteria provided, conflicting classifications (1 of 4 stars). 2 submissions from 2 submitters: Likely pathogenic (1); Uncertain significance (1). Last evaluated 2023-04-27.

Conditions:
POLR3A-related disorder. Also called: POLR3A-related disorders; POLR3A-related condition. Identifiers: MedGen CN378587, MONDO:0700276.

Allele frequency attached by ClinVar (database versions not stated): gnomAD exomes below 0.00001; ExAC 0.00001; TOPMed 0.00001.
gnomAD v4.1: 7 of 1,614,190 alleles (0.00043%); highest among the groups gnomAD compares: Admixed American, 0.0033%; no homozygotes.

Submissions (2):

Neurometabolic Diseases Laboratory, Bellvitge Biomedical Research Institute (IDIBELL)
Classification: Likely pathogenic for POLR3A-related disorders. Last evaluated: 2023-04-27. Review status: criteria provided, single submitter. Criteria: ACMG Guidelines, 2015. Collection method: research. Allele origin: germline. Affected: yes.

Labcorp Genetics (formerly Invitae), Labcorp
Classification: Uncertain significance. Last evaluated: 2022-09-07. Review status: criteria provided, single submitter. Criteria: Invitae Variant Classification Sherloc (09022015). Collection method: clinical testing. Allele origin: germline.
Comment: In summary, the available evidence is currently insufficient to determine the role of this variant in disease. Therefore, it has been classified as a Variant of Uncertain Significance. Algorithms developed to predict the effect of missense changes on protein structure and function (SIFT, PolyPhen-2, Align-GVGD) all suggest that this variant is likely to be tolerated. ClinVar contains an entry for this variant (Variation ID: 1377122). This variant has not been reported in the literature in individuals affected with POLR3A-related conditions. This variant is present in population databases (rs757718124, gnomAD 0.0009%). This sequence change replaces glycine, which is neutral and non-polar, with aspartic acid, which is acidic and polar, at codon 621 of the POLR3A protein (p.Gly621Asp).

NM_007055.4(POLR3A):c.1862G>A (p.Gly621Asp)

Gene: POLR3A (RNA polymerase III subunit A; minus strand). Cytogenetic location: 10q22.3.
Variant type: single nucleotide variant.
Coding change: c.1862G>A on transcript NM_007055.4 (MANE Select); coding-DNA position 1862, G replaced by A.
Protein change: p.Gly621Asp; replaces glycine 621 with aspartic acid.
Molecular consequence: missense variant.
Genome position (GRCh38, 1-based): chr10:78,009,584, C>T on the plus strand (G>A on the coding strand, the complement: POLR3A is on the minus strand). VCF-style: chr10-78009584-C-T. GRCh37 (hg19) VCF-style: chr10-79769342-C-T.
Other names: c.1862G>A (NM_007055.3); short protein forms G621D.
Identifiers: ClinVar variation 1377122 (VCV001377122.30), dbSNP rs757718124, ClinGen allele CA5571294.